The following is an entry in ClinVar:

ClinVar aggregate classification (germline): Benign/Likely benign. Review status: criteria provided, multiple submitters, no conflicts (2 of 4 stars). 2 submissions from 2 submitters: Benign (1); Likely benign (1). Last evaluated 2025-02-20.

Conditions:
Hereditary cancer-predisposing syndrome. Also called: Neoplastic Syndromes, Hereditary; Tumor predisposition; Hereditary Cancer Syndrome; Hereditary neoplastic syndrome. Identifiers: Orphanet 140162, MedGen C0027672, MeSH D009386, MONDO:0015356.
Breast-ovarian cancer, familial, susceptibility to, 4. Identifiers: Orphanet 145, MedGen C3280345, MONDO:0013669, OMIM 614291.

Submissions (2):

Myriad Genetics, Inc.
Classification: Benign for Breast-ovarian cancer, familial, susceptibility to, 4. Last evaluated: 2025-02-20. Review status: criteria provided, single submitter. Criteria: Myriad Autosomal Dominant, Autosomal Recessive and X-Linked Classification Criteria (2023). Collection method: clinical testing. Allele origin: unknown.
Comment: This variant is considered benign. This variant is a silent/synonymous amino acid change and it is not expected to impact splicing.

Ambry Genetics
Classification: Likely benign for Hereditary cancer-predisposing syndrome. Last evaluated: 2021-07-17. Review status: criteria provided, single submitter. Criteria: Ambry Variant Classification Scheme 2023. Collection method: clinical testing. Allele origin: germline.

NM_002878.4(RAD51D):c.300A>G (p.Gly100=)

Genes: RAD51D (RAD51 paralog D; minus strand), RAD51L3-RFFL (RAD51L3-RFFL readthrough; minus strand). Cytogenetic location: 17q12.
Variant type: single nucleotide variant.
Coding change: c.300A>G on transcript NM_002878.4 (MANE Select); coding-DNA position 300, A replaced by G.
Protein change: p.Gly100=; no amino-acid change (glycine 100 retained).
Molecular consequence: synonymous variant. On other transcripts: non-coding transcript variant (2), intron variant (1).
Genome position (GRCh38, 1-based): chr17:35,107,411, T>C on the plus strand (A>G on the coding strand, the complement: RAD51D is on the minus strand). VCF-style: chr17-35107411-T-C. GRCh37 (hg19) VCF-style: chr17-33434430-T-C.
Other names: c.360A>G, p.Gly120= (NM_001142571.2); c.145-930A>G (NM_133629.3).
Identifiers: ClinVar variation 1798779 (VCV001798779.3), dbSNP rs1555568499, ClinGen allele CA499731893.
Genomic context (GRCh38, chr17:35,107,411, plus strand): 5'-TGGCCTCACATGTACCTGAGTTTTGCCGCTACCTGGGCCTCCTACAATTTCAGTCACTTC[T>C]CCAGTATAGAGACCAGCATCAAGCAGTTTATCAAGACTGATGGCAGAAGAGAAGAAAATC-3'
Protein context (NP_002869.3, residues 90-110): DKLLDAGLYT[Gly100=]EVTEIVGGPG